The following is an entry in ClinVar:

ClinVar aggregate classification (germline): Uncertain significance (1 of 4 stars; one submission).

Conditions:
Distal myopathy with posterior leg and anterior hand involvement. Also called: WILLIAMS DISTAL MYOPATHY. Identifiers: Orphanet 63273, MedGen C3279722, MONDO:0013550, OMIM 614065.
Hypertrophic cardiomyopathy 26. Also called: Cardiomyopathy, familial hypertrophic, 26. Identifiers: Orphanet 75249, MedGen C4310749, MONDO:0014883, OMIM 617047.
Myofibrillar myopathy 5. Also called: Filaminopathy (type); FILAMINOPATHY, AUTOSOMAL DOMINANT. Identifiers: Orphanet 171445, MedGen C1836050, MONDO:0012289, OMIM 609524.

Allele frequency attached by ClinVar (database versions not stated): gnomAD exomes below 0.00001; TOPMed below 0.00001.
gnomAD v4.1: 8 of 1,561,824 alleles (0.00051%); highest among the groups gnomAD compares: Non-Finnish European, 0.00053%; no homozygotes.

Submission:

Labcorp Genetics (formerly Invitae), Labcorp
Classification: Uncertain significance for Distal myopathy with posterior leg and anterior hand involvement; Myofibrillar myopathy 5; Hypertrophic cardiomyopathy 26. Last evaluated: 2022-05-02. Review status: criteria provided, single submitter. Criteria: Invitae Variant Classification Sherloc (09022015). Collection method: clinical testing. Allele origin: germline.
Comment: This variant is not present in population databases (gnomAD no frequency). In summary, the available evidence is currently insufficient to determine the role of this variant in disease. Therefore, it has been classified as a Variant of Uncertain Significance. Algorithms developed to predict the effect of missense changes on protein structure and function are either unavailable or do not agree on the potential impact of this missense change (SIFT: "Deleterious"; PolyPhen-2: "Possibly Damaging"; Align-GVGD: "Class C15"). This variant has not been reported in the literature in individuals affected with FLNC-related conditions. This sequence change replaces valine, which is neutral and non-polar, with glutamic acid, which is acidic and polar, at codon 2650 of the FLNC protein (p.Val2650Glu).

NM_001458.5(FLNC):c.7949T>A (p.Val2650Glu)

Genes: FLNC-AS1 (FLNC antisense RNA 1; minus strand), FLNC (filamin C; plus strand). Cytogenetic location: 7q32.1.
Variant type: single nucleotide variant.
Coding change: c.7949T>A on transcript NM_001458.5 (MANE Select); coding-DNA position 7949, T replaced by A.
Protein change: p.Val2650Glu; replaces valine 2650 with glutamic acid.
Molecular consequence: missense variant.
Genome position (GRCh38, 1-based): chr7:128,858,176, T>A. VCF-style: chr7-128858176-T-A. GRCh37 (hg19) VCF-style: chr7-128498230-T-A.
Other names: c.7850T>A, p.Val2617Glu (NM_001127487.2); short protein forms V2617E, V2650E.
Identifiers: ClinVar variation 1918502 (VCV001918502.5), dbSNP rs921757699, ClinGen allele CA166196194.